The following is an entry in ClinVar:

ClinVar aggregate classification (germline): Pathogenic (1 of 4 stars; one submission).

Conditions:
Polycystic kidney disease, adult type (PKD1). Also called: Polycystic Kidney, Autosomal Dominant; POLYCYSTIC KIDNEY DISEASE, ADULT, TYPE I; Polycystic Kidney Disease 1, Autosomal Dominant; Polycystic kidney disease 1; Polycystic kidney disease 1, severe; POLYCYSTIC KIDNEY DISEASE 1 WITH OR WITHOUT POLYCYSTIC LIVER DISEASE. Identifiers: MedGen C3149841, MONDO:0008263, OMIM 173900.

Submission:

Victorian Clinical Genetics Services, Murdoch Childrens Research Institute
Classification: Pathogenic for Polycystic kidney disease, adult type. Last evaluated: 2025-08-21. Review status: criteria provided, single submitter. Criteria: ACMG Guidelines, 2015. Collection method: clinical testing. Allele origin: germline. Affected: yes.
Comment: This variant is classified as Pathogenic. Evidence in support of pathogenic classification: Canonical splice site variant without proven consequence on splicing (no functional evidence available); Variant is absent from gnomAD (v2, v3 and v4); Other canonical splice variant(s) comparable to the one identified in this case have strong previous evidence for pathogenicity. c.11269+1G>C and c.11269+1G>T have been classified as likely pathogenic/pathogenic by clinical laboratories in ClinVar. Additionally, c.11269+1G>A has been reported in the literature in an individual with ADPKD (PMID: 30333007). - Abnormal splicing is predicted by in silico tool and affected nucleotide is highly conserved. Additional information: This variant is heterozygous; This gene is associated with autosomal dominant disease. Polycystic kidney disease 1 (MIM#173900) is predominantly caused by monoallelic variants, with rare reports of biallelic variants causing disease (OMIM); Alternative nucleotide change(s) at the same canonical splice site, are present in gnomAD (v4: 1 heterozygote(s), 0 homozygote(s)); This variant has no previous evidence of pathogenicity; No published evidence of segregation with disease has been identified for this variant; No published functional evidence has been identified for this variant; Loss of function is a known mechanism of disease in this gene and is associated with polycystic kidney disease 1 (MIM#173900); Inheritance information for this variant is not currently available in this individual.

Literature cited by the submitters: PubMed 30333007.

NM_001009944.3(PKD1):c.11269+2T>G

Genes: PKD1 (polycystin 1, transient receptor potential channel interacting; minus strand), PKD1-AS1 (PKD1 antisense RNA 1; plus strand). Cytogenetic location: 16p13.3.
Variant type: single nucleotide variant.
Coding change: c.11269+2T>G on transcript NM_001009944.3 (MANE Select); the canonical splice donor site of the intron after coding-DNA position 11269, T replaced by G.
Molecular consequence: splice donor variant.
Genome position (GRCh38, 1-based): chr16:2,092,478, A>C on the plus strand (T>G on the coding strand, the complement: PKD1 is on the minus strand). VCF-style: chr16-2092478-A-C. GRCh37 (hg19) VCF-style: chr16-2142479-A-C.
Other names: c.11266+2T>G (NM_000296.4).
Identifiers: ClinVar variation 4531542 (VCV004531542.1).